The following is an entry in ClinVar:

ClinVar aggregate classification (germline): Pathogenic/Likely pathogenic. Review status: criteria provided, multiple submitters, no conflicts (2 of 4 stars). 4 submissions from 4 submitters: Pathogenic (2); Likely pathogenic (1). 1 of the submissions does not count toward it. Last evaluated 2023-03-30.

Conditions:
Familial cancer of breast. Also called: hereditary breast carcinoma; BREAST CANCER, FAMILIAL; Hereditary breast cancer. Identifiers: Orphanet 227535, MedGen C0346153, MONDO:0016419, OMIM 114480. Disease mechanism: loss of function.

Submissions (4):

Myriad Genetics, Inc.
Classification: Pathogenic for Familial cancer of breast. Last evaluated: 2023-03-30. Review status: criteria provided, single submitter. Criteria: Myriad Autosomal Dominant, Autosomal Recessive and X-Linked Classification Criteria (2023). Collection method: clinical testing. Allele origin: unknown.
Comment: This variant is considered pathogenic. This variant creates a frameshift predicted to result in premature protein truncation.

Labcorp Genetics (formerly Invitae), Labcorp
Classification: Pathogenic for Familial cancer of breast. Last evaluated: 2019-05-21. Review status: criteria provided, single submitter. Criteria: Invitae Variant Classification Sherloc (09022015). Collection method: clinical testing. Allele origin: germline.
Comment: For these reasons, this variant has been classified as Pathogenic. Loss-of-function variants in PALB2 are known to be pathogenic (PMID: 17200668, 24136930, 25099575). This variant has not been reported in the literature in individuals with PALB2-related disease. ClinVar contains an entry for this variant (Variation ID: 487407). This variant is not present in population databases (ExAC no frequency). This sequence change creates a premature translational stop signal (p.Lys819Thrfs*4) in the PALB2 gene. It is expected to result in an absent or disrupted protein product.

GeneDx
Classification: Likely pathogenic. Last evaluated: 2017-04-20. Review status: criteria provided, single submitter. Criteria: GeneDx Variant Classification (06012015). Collection method: clinical testing. Allele origin: germline. Affected: yes.
Comment: This deletion of eight nucleotides in PALB2 is denoted c.2456_2463delAAGAAAAT at the cDNA level and p.Lys819ThrfsX4 (K819TfsX4) at the protein level. The normal sequence, with the bases that are deleted in brackets, is TTTA[delAAGAAAAT]CAGC. The deletion causes a frameshift, which changes a Lysine to a Threonine at codon 819 and creates a premature stop codon at position 4 of the new reading frame. Although this variant has not, to our knowledge, been reported in the literature, it is predicted to cause loss of normal protein function through either protein truncation or nonsense-mediated mRNA decay. Based on the currently available information, we consider this deletion to be a likely pathogenic variant.

Counsyl
Classification: Likely pathogenic for Familial cancer of breast. Last evaluated: 2016-11-22. Review status: no assertion criteria provided. Collection method: clinical testing. Allele origin: unknown. Not counted in ClinVar's aggregate classification.

Literature cited by the submitters: PubMed 17200668 (cited by Labcorp Genetics (formerly Invitae), Labcorp); PubMed 24136930 (cited by Labcorp Genetics (formerly Invitae), Labcorp); PubMed 25099575 (cited by Labcorp Genetics (formerly Invitae), Labcorp).

NM_024675.4(PALB2):c.2456_2463del (p.Lys819fs)

Gene: PALB2 (partner and localizer of BRCA2; minus strand). Cytogenetic location: 16p12.2.
Variant type: Deletion.
Coding change: c.2456_2463del on transcript NM_024675.4 (MANE Select); coding-DNA positions 2456 to 2463, 8 bases deleted (AAGAAAAT; older notation c.2456_2463delAAGAAAAT).
Protein change: p.Lys819fs; shifts the reading frame from lysine 819.
Molecular consequence: frameshift variant.
Genome position (GRCh38, 1-based): chr16:23,629,691-23,629,698, ATTTTCTT deleted on the plus strand (AAGAAAAT on the coding strand, the reverse complement: PALB2 is on the minus strand). VCF-style (leftmost placement, unchanged base first): chr16-23629690-GATTTTCTT-G. GRCh37 (hg19) VCF-style: chr16-23641011-GATTTTCTT-G.
Other names: c.2456_2463delAAGAAAAT (NM_024675.3); short protein forms K819fs.
Identifiers: ClinVar variation 487407 (VCV000487407.13), dbSNP rs1555460325, ClinGen allele CA658658404.